The following is an entry in ClinVar:

NM_001958.5(EEF1A2):c.1012G>A (p.Ala338Thr)

Gene: EEF1A2 (eukaryotic translation elongation factor 1 alpha 2; minus strand). Cytogenetic location: 20q13.33.
Variant type: single nucleotide variant.
Coding change: c.1012G>A on transcript NM_001958.5 (MANE Select); coding-DNA position 1012, G replaced by A.
Protein change: p.Ala338Thr; replaces alanine 338 with threonine.
Molecular consequence: missense variant.
Genome position (GRCh38, 1-based): chr20:63,490,496, C>T on the plus strand (G>A on the coding strand, the complement: EEF1A2 is on the minus strand). VCF-style: chr20-63490496-C-T. GRCh37 (hg19) VCF-style: chr20-62121849-C-T.
Other names: short protein forms A338T.
Identifiers: ClinVar variation 452790 (VCV000452790.2), dbSNP rs1555883486, ClinGen allele CA409646948.

ClinVar aggregate classification (germline): Likely pathogenic (1 of 4 stars; one submission).

Submission:

GeneDx
Classification: Likely pathogenic. Last evaluated: 2017-10-16. Review status: criteria provided, single submitter. Criteria: GeneDx Variant Classification (06012015). Collection method: clinical testing. Allele origin: germline. Affected: yes.
Comment: The A338T variant in the EEF1A2 gene has not been reported previously as a pathogenic variant, nor as a benign variant, to our knowledge. This variant is not observed in large population cohorts (Lek et al., 2016). The A338T variant is a non-conservative amino acid substitution, which is likely to impact secondary protein structure as these residues differ in polarity, charge, size and/or other properties. This substitution occurs at a position that is conserved in mammals. In silico analysis is inconsistent in its predictions as to whether or not the variant is damaging to the protein structure/function. We interpret A338T as a likely pathogenic variant.